The following is an entry in ClinVar:

ClinVar aggregate classification (germline): Uncertain significance. Review status: criteria provided, multiple submitters, no conflicts (2 of 4 stars). 2 submissions from 2 submitters: Uncertain significance (2). Last evaluated 2022-08-09.

Conditions:
Inborn genetic diseases. Identifiers: MedGen C0950123, MeSH D030342.
Multiple congenital anomalies-hypotonia-seizures syndrome 1 (MCAHS1). Also called: PIGN-CDG; Congenital disorder of glycosylation due to PIGN deficiency; GLYCOSYLPHOSPHATIDYLINOSITOL BIOSYNTHESIS DEFECT 3. Identifiers: Orphanet 280633, MedGen C3279775, MONDO:0013563, OMIM 614080.

Allele frequency attached by ClinVar (database versions not stated): gnomAD exomes below 0.00001; ExAC 0.00001; gnomAD 0.00001; 1000 Genomes Project 30x 0.00016; 1000 Genomes Project 0.00020.
gnomAD v4.1: 2 of 1,613,510 alleles (0.00012%); highest among the groups gnomAD compares: South Asian, 0.0022%; no homozygotes.

Submissions (2):

Labcorp Genetics (formerly Invitae), Labcorp
Classification: Uncertain significance for Multiple congenital anomalies-hypotonia-seizures syndrome 1. Last evaluated: 2022-08-09. Review status: criteria provided, single submitter. Criteria: Invitae Variant Classification Sherloc (09022015). Collection method: clinical testing. Allele origin: germline.
Comment: This sequence change replaces phenylalanine with leucine at codon 15 of the PIGN protein (p.Phe15Leu). The phenylalanine residue is moderately conserved and there is a small physicochemical difference between phenylalanine and leucine. This variant is present in population databases (rs572483363, gnomAD 0.003%). This variant has not been reported in the literature in individuals affected with PIGN-related conditions. ClinVar contains an entry for this variant (Variation ID: 1354719). Algorithms developed to predict the effect of missense changes on protein structure and function are either unavailable or do not agree on the potential impact of this missense change (SIFT: "Not Available"; PolyPhen-2: "Benign"; Align-GVGD: "Not Available"). In summary, the available evidence is currently insufficient to determine the role of this variant in disease. Therefore, it has been classified as a Variant of Uncertain Significance.

Ambry Genetics
Classification: Uncertain significance for Inborn genetic diseases. Last evaluated: 2018-07-06. Review status: criteria provided, single submitter. Criteria: Ambry Variant Classification Scheme 2023. Collection method: clinical testing. Allele origin: germline.
Comment: The p.F15L variant (also known as c.45C>G), located in coding exon 1 of the PIGN gene, results from a C to G substitution at nucleotide position 45. The phenylalanine at codon 15 is replaced by leucine, an amino acid with highly similar properties. This amino acid position is highly conserved in available vertebrate species. In addition, the in silico prediction for this alteration is inconclusive. Since supporting evidence is limited at this time, the clinical significance of this alteration remains unclear.

NM_176787.5(PIGN):c.45C>G (p.Phe15Leu)

Gene: PIGN (phosphatidylinositol glycan anchor biosynthesis class N; minus strand). Cytogenetic location: 18q21.33.
Variant type: single nucleotide variant.
Coding change: c.45C>G on transcript NM_176787.5 (MANE Select); coding-DNA position 45, C replaced by G.
Protein change: p.Phe15Leu; replaces phenylalanine 15 with leucine.
Molecular consequence: missense variant.
Genome position (GRCh38, 1-based): chr18:62,161,309, G>C on the plus strand (C>G on the coding strand, the complement: PIGN is on the minus strand). VCF-style: chr18-62161309-G-C. GRCh37 (hg19) VCF-style: chr18-59828542-G-C.
Other names: c.45C>G, p.Phe15Leu (NM_012327.6); short protein forms F15L.
Identifiers: ClinVar variation 1354719 (VCV001354719.5), dbSNP rs572483363, ClinGen allele CA8982669.